The following is an entry in ClinVar:

NM_000053.4(ATP7B):c.3700G>T (p.Val1234Phe)

Gene: ATP7B (ATPase copper transporting beta; minus strand). Cytogenetic location: 13q14.3.
Variant type: single nucleotide variant.
Coding change: c.3700G>T on transcript NM_000053.4 (MANE Select); coding-DNA position 3700, G replaced by T.
Protein change: p.Val1234Phe; replaces valine 1234 with phenylalanine.
Molecular consequence: missense variant.
Genome position (GRCh38, 1-based): chr13:51,937,679, C>A on the plus strand (G>T on the coding strand, the complement: ATP7B is on the minus strand). VCF-style: chr13-51937679-C-A. GRCh37 (hg19) VCF-style: chr13-52511815-C-A.
Other names: c.3079G>T, p.Val1027Phe (NM_001005918.3); c.3367G>T, p.Val1123Phe (NM_001243182.2); c.3466G>T, p.Val1156Phe (NM_001330578.2); c.3448G>T, p.Val1150Phe (NM_001330579.2); short protein forms V1234F, V1150F, V1123F, V1156F, V1027F.
Identifiers: ClinVar variation 35726 (VCV000035726.18), dbSNP rs193922108, ClinGen allele CA260146.

ClinVar aggregate classification (germline): Uncertain significance. Review status: criteria provided, multiple submitters, no conflicts (2 of 4 stars). 7 submissions from 7 submitters: Uncertain significance (6). 1 of the submissions does not count toward it. Last evaluated 2024-06-23.

Conditions:
Wilson disease (WND). Also called: Wilson's disease. Identifiers: Orphanet 905, MedGen C0019202, MONDO:0010200, OMIM 277900. Disease mechanism: loss of function.

Allele frequency attached by ClinVar (database versions not stated): gnomAD 0.00001; TOPMed 0.00001.
gnomAD v4.1: 15 of 1,614,054 alleles (0.00093%); highest among the groups gnomAD compares: African/African-American, 0.0013%; no homozygotes.

Submissions (7):

Labcorp Genetics (formerly Invitae), Labcorp
Classification: Uncertain significance for Wilson disease. Last evaluated: 2024-06-23. Review status: criteria provided, single submitter. Criteria: Invitae Variant Classification Sherloc (09022015). Collection method: clinical testing. Allele origin: germline.
Comment: This sequence change replaces valine, which is neutral and non-polar, with phenylalanine, which is neutral and non-polar, at codon 1234 of the ATP7B protein (p.Val1234Phe). This variant is not present in population databases (gnomAD no frequency). This missense change has been observed in individual(s) with Wilson disease (PMID: 23518715). In at least one individual the data is consistent with being in trans (on the opposite chromosome) from a pathogenic variant. ClinVar contains an entry for this variant (Variation ID: 35726). An algorithm developed to predict the effect of missense changes on protein structure and function (PolyPhen-2) suggests that this variant is likely to be disruptive. In summary, the available evidence is currently insufficient to determine the role of this variant in disease. Therefore, it has been classified as a Variant of Uncertain Significance.

All of Us Research Program, National Institutes of Health
Classification: Uncertain significance for Wilson disease. Last evaluated: 2023-12-13. Review status: criteria provided, single submitter. Criteria: ACMG Guidelines, 2015. Collection method: clinical testing. Allele origin: germline. Inheritance: Autosomal recessive inheritance. Observed: 4 variant alleles, 4 heterozygotes.
Comment: This missense variant replaces valine with phenylalanine at codon 1234 of the ATP7B protein. Computational prediction suggests that this variant may have deleterious impact on protein structure and function (internally defined REVEL score threshold >= 0.7, PMID: 27666373). To our knowledge, functional studies have not been reported for this variant. This variant has been reported in an individual affected with Wilson disease (PMID: 23518715). This variant has not been identified in the general population by the Genome Aggregation Database (gnomAD). The available evidence is insufficient to determine the role of this variant in disease conclusively. Therefore, this variant is classified as a Variant of Uncertain Significance.

This study involves interpretation of variants in research participants for the purpose of population health screening. Participant phenotype was not available at the time of variant classification. Additional details can be found in publication PMID: 35346344, PMCID: PMC8962531

Color Diagnostics, LLC DBA Color Health
Classification: Uncertain significance for Wilson disease. Last evaluated: 2022-07-08. Review status: criteria provided, single submitter. Criteria: ACMG Guidelines, 2015. Collection method: clinical testing. Allele origin: germline.
Comment: This missense variant replaces valine with phenylalanine at codon 1234 of the ATP7B protein. Computational prediction suggests that this variant may have deleterious impact on protein structure and function. To our knowledge, functional studies have not been reported for this variant. This variant has been reported in an individual affected with Wilson disease (PMID: 23518715). This variant has not been identified in the general population by the Genome Aggregation Database (gnomAD). The available evidence is insufficient to determine the role of this variant in disease conclusively. Therefore, this variant is classified as a Variant of Uncertain Significance.

Genome-Nilou Lab
Classification: Uncertain significance for Wilson disease. Last evaluated: 2021-09-05. Review status: criteria provided, single submitter. Criteria: ACMG Guidelines, 2015. Collection method: clinical testing. Allele origin: germline. Affected: no.

GeneDx
Classification: Uncertain significance. Last evaluated: 2020-07-27. Review status: criteria provided, single submitter. Criteria: GeneDx Variant Classification Process June 2021. Collection method: clinical testing. Allele origin: germline. Affected: yes.
Comment: Not observed in large population cohorts (Lek et al., 2016); In silico analysis supports that this missense variant has a deleterious effect on protein structure/function; Missense variants in nearby residues reported in the Human Gene Mutation Database (Stenson et al., 2014); This variant is associated with the following publications: (PMID: 23518715)

Women's Health and Genetics/Laboratory Corporation of America, LabCorp
Classification: Uncertain significance. Last evaluated: 2017-06-06. Review status: criteria provided, single submitter. Criteria: LabCorp Variant Classification Summary - May 2015. Collection method: clinical testing. Allele origin: germline.
Comment: Variant summary: The ATP7B c.3700G>T (p.Val1234Phe) variant causes a missense change involving the alteration of a conserved nucleotide. 5/5 in silico tools predict a damaging outcome for this variant. The variant of interest is absent in a large, broad control population, ExAC in 120242 control chromosomes. Variants involving the nearby codons such as c.3698A>C/p.Q1233P and c.3704G>A/p.G1235D have been reported in affected individuals, suggesting the functional importance of this region. Taken together, this variant is classified as VUS-possibly pathogenic until more clinical/functional evidence becomes available.

Natera, Inc.
Classification: Uncertain significance for Wilson disease. Last evaluated: 2020-12-18. Review status: no assertion criteria provided. Collection method: clinical testing. Allele origin: germline. Not counted in ClinVar's aggregate classification.

Literature cited by the submitters: PubMed 23518715 (cited by 4 submitters).